The following is an entry in ClinVar:

ClinVar aggregate classification (germline): Uncertain significance (1 of 4 stars; one submission).

Conditions:
Immunodeficiency 39 (IMD39). Identifiers: Orphanet 574918, MedGen C4225358, MONDO:0014597, OMIM 616345.

Allele frequency attached by ClinVar (database versions not stated): gnomAD exomes below 0.00001.
gnomAD v4.1: 1 of 1,596,982 alleles (0.000063%); highest among the groups gnomAD compares: South Asian, 0.0011%; no homozygotes.

Submission:

Labcorp Genetics (formerly Invitae), Labcorp
Classification: Uncertain significance for Immunodeficiency 39. Last evaluated: 2024-09-16. Review status: criteria provided, single submitter. Criteria: Invitae Variant Classification Sherloc (09022015). Collection method: clinical testing. Allele origin: germline.
Comment: This sequence change replaces leucine, which is neutral and non-polar, with proline, which is neutral and non-polar, at codon 363 of the IRF7 protein (p.Leu363Pro). This variant is not present in population databases (gnomAD no frequency). This variant has not been reported in the literature in individuals affected with IRF7-related conditions. Invitae Evidence Modeling of protein sequence and biophysical properties (such as structural, functional, and spatial information, amino acid conservation, physicochemical variation, residue mobility, and thermodynamic stability) has been performed for this missense variant. However, the output from this modeling did not meet the statistical confidence thresholds required to predict the impact of this variant on IRF7 protein function. In summary, the available evidence is currently insufficient to determine the role of this variant in disease. Therefore, it has been classified as a Variant of Uncertain Significance.

NM_001572.5(IRF7):c.1049T>C (p.Leu350Pro)

Gene: IRF7 (interferon regulatory factor 7; minus strand). Cytogenetic location: 11p15.5.
Variant type: single nucleotide variant.
Coding change: c.1049T>C on transcript NM_001572.5 (MANE Select); coding-DNA position 1049, T replaced by C.
Protein change: p.Leu350Pro; replaces leucine 350 with proline.
Molecular consequence: missense variant.
Genome position (GRCh38, 1-based): chr11:613,394, A>G on the plus strand (T>C on the coding strand, the complement: IRF7 is on the minus strand). VCF-style: chr11-613394-A-G. GRCh37 (hg19) VCF-style: chr11-613394-A-G.
Other names: c.962T>C, p.Leu321Pro (NM_004029.4); c.1088T>C, p.Leu363Pro (NM_004031.4); short protein forms L321P, L350P, L363P.
Identifiers: ClinVar variation 2762469 (VCV002762469.3), dbSNP rs2493898716, ClinGen allele CA378979076.